The following is an entry in ClinVar:

ClinVar aggregate classification (germline): Pathogenic (1 of 4 stars; one submission).

Conditions:
Dystonia 5 (DRD). Also called: DYT-GCH1; DYSTONIA, PROGRESSIVE, WITH DIURNAL VARIATION; DYSTONIA-PARKINSONISM WITH DIURNAL FLUCTUATION; GTP Cyclohydrolase 1-Deficient Dopa-Responsive Dystonia; Dystonia, DOPA-responsive, with or without hyperphenylalaninemia. Identifiers: Orphanet 98808, MedGen C1851920, MONDO:0007495, OMIM 128230.
GTP cyclohydrolase I deficiency. Identifiers: MedGen C0268467, MONDO:0100184.

Submission:

Labcorp Genetics (formerly Invitae), Labcorp
Classification: Pathogenic for GTP cyclohydrolase I deficiency; Dystonia 5. Last evaluated: 2021-09-20. Review status: criteria provided, single submitter. Criteria: Invitae Variant Classification Sherloc (09022015). Collection method: clinical testing. Allele origin: germline.
Comment: This sequence change affects the initiator methionine of the GCH1 mRNA. The next in-frame methionine is located at codon 102. The frequency data for this variant in the population databases is considered unreliable, as metrics indicate insufficient coverage at this position in the ExAC database. Disruption of the initiator codon has been observed in individuals with autosomal dominant dopa-responsive dystonia (PMID: 9576537, 17557242, 20437540, 21935284, 22373569, 31213404). For these reasons, this variant has been classified as Pathogenic.

Literature cited by the submitters: PubMed 9576537; PubMed 17557242; PubMed 20437540; PubMed 21935284; PubMed 22373569; PubMed 31213404.

NM_000161.3(GCH1):c.1A>C (p.Met1Leu)

Genes: GCH1 (GTP cyclohydrolase 1; minus strand), LOC130055692 (ATAC-STARR-seq lymphoblastoid silent region 5776; plus strand). Cytogenetic location: 14q22.2.
Variant type: single nucleotide variant.
Coding change: c.1A>C on transcript NM_000161.3 (MANE Select); coding-DNA position 1, A replaced by C.
Protein change: p.Met1Leu; changes the start codon (methionine 1).
Molecular consequence: missense variant, initiator codon variant.
Genome position (GRCh38, 1-based): chr14:54,902,663, T>G on the plus strand (A>C on the coding strand, the complement: GCH1 is on the minus strand). VCF-style: chr14-54902663-T-G. GRCh37 (hg19) VCF-style: chr14-55369381-T-G.
Other names: c.1A>C, p.Met1Leu (NM_001024024.2, NM_001024070.2, NM_001024071.2); short protein forms M1L.
Identifiers: ClinVar variation 1452723 (VCV001452723.6), dbSNP rs1555362907, ClinGen allele CA389795057.